The following is an entry in ClinVar:

ClinVar aggregate classification (germline): Uncertain significance. Review status: criteria provided, multiple submitters, no conflicts (2 of 4 stars). 2 submissions from 2 submitters: Uncertain significance (2). Last evaluated 2025-11-13.

Conditions:
Multiple endocrine neoplasia, type 2 (MEN2). Identifiers: Orphanet 653, MedGen C4048306, MONDO:0019003. Disease mechanism: gain of function.
Hereditary cancer-predisposing syndrome. Also called: Neoplastic Syndromes, Hereditary; Tumor predisposition; Hereditary neoplastic syndrome; Hereditary Cancer Syndrome. Identifiers: Orphanet 140162, MedGen C0027672, MeSH D009386, MONDO:0015356.

Submissions (2):

Ambry Genetics
Classification: Uncertain significance for Hereditary cancer-predisposing syndrome. Last evaluated: 2025-11-13. Review status: criteria provided, single submitter. Criteria: Ambry Variant Classification Scheme 2023. Collection method: clinical testing. Allele origin: germline.
Comment: The c.-4G>T variant is located in the 5' untranslated region (5&rsquo; UTR) of the RET gene. This variant results from a G to T substitution 4 bases upstream from the first translated codon. This nucleotide position is highly conserved in available vertebrate species. Based on the available evidence, the clinical significance of this variant remains unclear.

All of Us Research Program, National Institutes of Health
Classification: Uncertain significance for Multiple endocrine neoplasia, type 2. Last evaluated: 2023-12-13. Review status: criteria provided, single submitter. Criteria: ACMG Guidelines, 2015. Collection method: clinical testing. Allele origin: germline. Inheritance: Autosomal dominant inheritance. Observed: 1 variant allele, 1 heterozygote.
Comment: This variant causes a G to T substitution at the -4 position in the 5' untranslated region of the RET gene. To our knowledge, functional studies have not been reported for this variant. This variant has not been reported in individuals affected with RET-related disorders in the literature. This variant has been identified in 1/104540 chromosomes in the general population by the Genome Aggregation Database (gnomAD). The available evidence is insufficient to determine the role of this variant in disease conclusively. Therefore, this variant is classified as a Variant of Uncertain Significance.

This study involves interpretation of variants in research participants for the purpose of population health screening. Participant phenotype was not available at the time of variant classification. Additional details can be found in publication PMID: 35346344, PMCID: PMC8962531

NM_020975.6(RET):c.-4G>T

Genes: RET (ret proto-oncogene; plus strand), LOC106736614 (RET 5' regulatory region; plus strand). Cytogenetic location: 10q11.21.
Variant type: single nucleotide variant.
Coding change: c.-4G>T on transcript NM_020975.6 (MANE Select); 4 bases upstream of the start codon, G replaced by T.
Molecular consequence: 5 prime UTR variant.
Genome position (GRCh38, 1-based): chr10:43,077,255, G>T. VCF-style: chr10-43077255-G-T. GRCh37 (hg19) VCF-style: chr10-43572703-G-T.
Other names: c.-4G>T (NM_000323.2, NM_001406743.1, NM_001406744.1 and 38 more transcripts).
Identifiers: ClinVar variation 3074853 (VCV003074853.2), dbSNP rs1456639441, ClinGen allele CA593178984.